The following is an entry in ClinVar:

NM_001048166.1(STIL):c.215A>G (p.Asn72Ser)

Gene: STIL (STIL centriolar assembly protein; minus strand). Cytogenetic location: 1p33.
Variant type: single nucleotide variant.
Coding change: c.215A>G on transcript NM_001048166.1 (MANE Select); coding-DNA position 215, A replaced by G.
Protein change: p.Asn72Ser; replaces asparagine 72 with serine.
Molecular consequence: missense variant.
Genome position (GRCh38, 1-based): chr1:47,302,284, T>C on the plus strand (A>G on the coding strand, the complement: STIL is on the minus strand). VCF-style: chr1-47302284-T-C. GRCh37 (hg19) VCF-style: chr1-47767956-T-C.
Other names: c.215A>G, p.Asn72Ser (NM_001282936.1, NM_001282937.1, NM_001282938.1 and 3 more transcripts); short protein forms N72S.
Identifiers: ClinVar variation 1313587 (VCV001313587.3), dbSNP rs773511706, ClinGen allele CA842651.

ClinVar aggregate classification (germline): Uncertain significance. Review status: criteria provided, multiple submitters, no conflicts (2 of 4 stars). 2 submissions from 2 submitters: Uncertain significance (2). Last evaluated 2025-04-03.

Conditions:
Inborn genetic diseases. Identifiers: MedGen C0950123, MeSH D030342.

Allele frequency attached by ClinVar (database versions not stated): gnomAD exomes 0.00001 and 0.00002; gnomAD 0.00001; ExAC 0.00002; TOPMed 0.00003.
gnomAD v4.1: 8 of 1,614,034 alleles (0.0005%); highest among the groups gnomAD compares: Admixed American, 0.013%; no homozygotes.

Submissions (2):

Ambry Genetics
Classification: Uncertain significance for Inborn genetic diseases. Last evaluated: 2025-04-03. Review status: criteria provided, single submitter. Criteria: Ambry Variant Classification Scheme 2023. Collection method: clinical testing. Allele origin: germline.

GeneDx
Classification: Uncertain significance. Last evaluated: 2020-10-23. Review status: criteria provided, single submitter. Criteria: GeneDx Variant Classification Process June 2021. Collection method: clinical testing. Allele origin: germline. Affected: yes.
Comment: In silico analysis supports that this missense variant does not alter protein structure/function; Has not been previously published as pathogenic or benign to our knowledge